The following is an entry in ClinVar:

NM_002547.3(OPHN1):c.2224G>T (p.Val742Leu)

Gene: OPHN1 (oligophrenin 1; minus strand). Cytogenetic location: Xq12.
Variant type: single nucleotide variant.
Coding change: c.2224G>T on transcript NM_002547.3 (MANE Select); coding-DNA position 2224, G replaced by T.
Protein change: p.Val742Leu; replaces valine 742 with leucine.
Molecular consequence: missense variant.
Genome position (GRCh38, 1-based): chrX:68,053,745, C>A on the plus strand (G>T on the coding strand, the complement: OPHN1 is on the minus strand). VCF-style: chrX-68053745-C-A. GRCh37 (hg19) VCF-style: chrX-67273587-C-A.
Other names: short protein forms V742L.
Identifiers: ClinVar variation 3001466 (VCV003001466.3), dbSNP rs757481934, ClinGen allele CA10436765.
Genomic context (GRCh38, chrX:68,053,745, plus strand): 5'-CTGGCTTTGGTTCTGGCTTTTGGGGAGTAGCTGCCCGGCAGGGAGGATCTGGGGGCCTCA[C>A]TGGGGGGCGGATGATGGTTGGCTTTTCTCCTGGAGGCCGCACTTTGCTGAAACTGTCAGC-3'
Protein context (NP_002538.1, residues 732-752): GEKPTIIRPP[Val742Leu]RPPDPPCRAA

ClinVar aggregate classification (germline): Uncertain significance (1 of 4 stars; one submission).

Allele frequency attached by ClinVar (database versions not stated): ExAC 0.00001.

Submission:

Labcorp Genetics (formerly Invitae), Labcorp
Classification: Uncertain significance. Last evaluated: 2023-11-01. Review status: criteria provided, single submitter. Criteria: Invitae Variant Classification Sherloc (09022015). Collection method: clinical testing. Allele origin: germline.
Comment: This sequence change replaces valine, which is neutral and non-polar, with leucine, which is neutral and non-polar, at codon 742 of the OPHN1 protein (p.Val742Leu). This variant is present in population databases (rs757481934, gnomAD 0.001%). This variant has not been reported in the literature in individuals affected with OPHN1-related conditions. An algorithm developed to predict the effect of missense changes on protein structure and function (PolyPhen-2) suggests that this variant is likely to be tolerated. In summary, the available evidence is currently insufficient to determine the role of this variant in disease. Therefore, it has been classified as a Variant of Uncertain Significance.